The following is an entry in ClinVar:

ClinVar aggregate classification (germline): Conflicting classifications of pathogenicity. Review status: criteria provided, conflicting classifications (1 of 4 stars). 5 submissions from 5 submitters: Uncertain significance (4); Likely benign (1). Last evaluated 2025-02-25.

Conditions:
Arrhythmogenic cardiomyopathy with wooly hair and keratoderma. Also called: PALMOPLANTAR KERATODERMA WITH LEFT VENTRICULAR CARDIOMYOPATHY AND WOOLLY HAIR; Carvajal syndrome; Dilated cardiomyopathy with woolly hair and keratoderma; Arrhythmogenic cardiomyopathy with woolly hair and keratoderma. Identifiers: Orphanet 65282, MedGen C1854063, MONDO:0011581, OMIM 605676.
Arrhythmogenic right ventricular dysplasia 8 (ARVD8). Also called: Arrhythmogenic Right Ventricular Dysplasia/Cardiomyopathy 8; ARRHYTHMOGENIC RIGHT VENTRICULAR DYSPLASIA, FAMILIAL, 8; ARRHYTHMOGENIC RIGHT VENTRICULAR CARDIOMYOPATHY 8. Identifiers: MedGen C1843896, MONDO:0011831, OMIM 607450.
Cardiovascular phenotype. Identifiers: MedGen CN230736.
Cardiomyopathy (CMYO). Also called: Cardiomyopathies. Identifiers: Orphanet 167848, MedGen C0878544, MONDO:0004994, HP:0001638. Inheritance: Various modes of inheritance.

Allele frequency attached by ClinVar (database versions not stated): gnomAD exomes below 0.00001; TOPMed below 0.00001; ExAC 0.00001; gnomAD 0.00001.
gnomAD v4.1: 8 of 1,614,050 alleles (0.0005%); highest among the groups gnomAD compares: Non-Finnish European, 0.00059%; no homozygotes.

Submissions (5):

GeneDx
Classification: Uncertain significance. Last evaluated: 2025-02-25. Review status: criteria provided, single submitter. Criteria: GeneDx Variant Classification Process June 2021. Collection method: clinical testing. Allele origin: germline. Affected: yes.
Comment: Not observed at significant frequency in large population cohorts (gnomAD); In silico analysis supports that this missense variant has a deleterious effect on protein structure/function; Has not been previously published as pathogenic or benign to our knowledge

Labcorp Genetics (formerly Invitae), Labcorp
Classification: Likely benign for Arrhythmogenic cardiomyopathy with wooly hair and keratoderma; Arrhythmogenic right ventricular dysplasia 8. Last evaluated: 2024-09-19. Review status: criteria provided, single submitter. Criteria: Invitae Variant Classification Sherloc (09022015). Collection method: clinical testing. Allele origin: germline.

Ambry Genetics
Classification: Uncertain significance for Cardiovascular phenotype. Last evaluated: 2024-05-11. Review status: criteria provided, single submitter. Criteria: Ambry Variant Classification Scheme 2023. Collection method: clinical testing. Allele origin: germline.
Comment: The p.D2489N variant (also known as c.7465G>A), located in coding exon 24 of the DSP gene, results from a G to A substitution at nucleotide position 7465. The aspartic acid at codon 2489 is replaced by asparagine, an amino acid with highly similar properties. This amino acid position is highly conserved in available vertebrate species. In addition, the in silico prediction for this alteration is inconclusive. Since supporting evidence is limited at this time, the clinical significance of this alteration remains unclear.

Color Diagnostics, LLC DBA Color Health
Classification: Uncertain significance for Cardiomyopathy. Last evaluated: 2024-03-06. Review status: criteria provided, single submitter. Criteria: ACMG Guidelines, 2015. Collection method: clinical testing. Allele origin: germline.
Comment: This missense variant replaces aspartic acid with asparagine at codon 2489 of the DSP protein. Computational prediction is inconclusive regarding the impact of this variant on protein structure and function (internally defined REVEL score threshold 0.5 < inconclusive < 0.7, PMID: 27666373). To our knowledge, functional studies have not been reported for this variant. This variant has not been reported in individuals affected with DSP-related disorders in the literature. This variant has been identified in 3/282864 chromosomes in the general population by the Genome Aggregation Database (gnomAD). The available evidence is insufficient to determine the role of this variant in disease conclusively. Therefore, this variant is classified as a Variant of Uncertain Significance.

ARUP Laboratories, Molecular Genetics and Genomics, ARUP Laboratories
Classification: Uncertain significance. Last evaluated: 2018-05-06. Review status: criteria provided, single submitter. Criteria: ARUP Molecular Germline Variant Investigation Process. Collection method: clinical testing. Allele origin: germline.
Comment: The p.Asp2489Asn variant (rs760552749) has not been reported in the medical literature, gene specific variation databases, nor has it been previously identified by our laboratory. This variant is listed in the Genome Aggregation Database (gnomAD) with an overall population frequency of 0.001 percent (identified on 4 out of 277,224 chromosomes). The aspartic acid at position 2489 is highly conserved up to C. elegans considering 12 species (Alamut v2.11) and computational analyses of the p.Asp2489Asn variant on protein structure and function indicate a deleterious effect (SIFT: damaging, PolyPhen-2: probably damaging). Altogether, there is not enough evidence to classify the p.Asp2489Asn variant with certainty.

NM_004415.4(DSP):c.7465G>A (p.Asp2489Asn)

Gene: DSP (desmoplakin; plus strand). Cytogenetic location: 6p24.3.
Variant type: single nucleotide variant.
Coding change: c.7465G>A on transcript NM_004415.4 (MANE Select); coding-DNA position 7465, G replaced by A.
Protein change: p.Asp2489Asn; replaces aspartic acid 2489 with asparagine.
Molecular consequence: missense variant.
Genome position (GRCh38, 1-based): chr6:7,584,727, G>A. VCF-style: chr6-7584727-G-A. GRCh37 (hg19) VCF-style: chr6-7584960-G-A.
Other names: c.7465G>A (LRG_423t1); c.5668G>A, p.Asp1890Asn (NM_001008844.3); c.6136G>A, p.Asp2046Asn (NM_001319034.2); short protein forms D2489N, D2046N, D1890N.
Identifiers: ClinVar variation 534314 (VCV000534314.26), dbSNP rs760552749, ClinGen allele CA049907.